The following is an entry in ClinVar:

ClinVar aggregate classification (germline): Uncertain significance (1 of 4 stars; one submission).

Conditions:
Kleefstra syndrome 1 (KLEFS1). Identifiers: Orphanet 261494, MedGen C0795833, MONDO:0027407, OMIM 610253.

Allele frequency attached by ClinVar (database versions not stated): gnomAD exomes 0.00001 and below 0.00001; ExAC 0.00001.
gnomAD v4.1: 2 of 1,614,162 alleles (0.00012%); highest among the groups gnomAD compares: Non-Finnish European, 0.00017%; no homozygotes.

Submission:

Labcorp Genetics (formerly Invitae), Labcorp
Classification: Uncertain significance for Kleefstra syndrome 1. Last evaluated: 2021-03-23. Review status: criteria provided, single submitter. Criteria: Invitae Variant Classification Sherloc (09022015). Collection method: clinical testing. Allele origin: germline.
Comment: In summary, the available evidence is currently insufficient to determine the role of this variant in disease. Therefore, it has been classified as a Variant of Uncertain Significance. Algorithms developed to predict the effect of missense changes on protein structure and function are either unavailable or do not agree on the potential impact of this missense change (SIFT: "Tolerated"; PolyPhen-2: "Probably Damaging"; Align-GVGD: "Class C0"). This variant has not been reported in the literature in individuals with EHMT1-related conditions. This variant is present in population databases (rs780345353, ExAC 0.001%). This sequence change replaces valine with isoleucine at codon 491 of the EHMT1 protein (p.Val491Ile). The valine residue is highly conserved and there is a small physicochemical difference between valine and isoleucine.

NM_024757.5(EHMT1):c.1471G>A (p.Val491Ile)

Gene: EHMT1 (euchromatic histone lysine methyltransferase 1; plus strand). Cytogenetic location: 9q34.3.
Variant type: single nucleotide variant.
Coding change: c.1471G>A on transcript NM_024757.5 (MANE Select); coding-DNA position 1471, G replaced by A.
Protein change: p.Val491Ile; replaces valine 491 with isoleucine.
Molecular consequence: missense variant.
Genome position (GRCh38, 1-based): chr9:137,757,981, G>A. VCF-style: chr9-137757981-G-A. GRCh37 (hg19) VCF-style: chr9-140652433-G-A.
Other names: c.1471G>A, p.Val491Ile (NM_001145527.2, NM_001354611.2); c.1378G>A, p.Val460Ile (NM_001354259.2, NM_001354612.2); c.1450G>A, p.Val484Ile (NM_001354263.2); short protein forms V491I, V460I, V484I.
Identifiers: ClinVar variation 1473845 (VCV001473845.8), dbSNP rs780345353, ClinGen allele CA5374630.